The following is an entry in ClinVar:

NM_000263.4(NAGLU):c.344C>T (p.Pro115Leu)

Gene: NAGLU (N-acetyl-alpha-glucosaminidase; plus strand). Cytogenetic location: 17q21.2.
Variant type: single nucleotide variant.
Coding change: c.344C>T on transcript NM_000263.4 (MANE Select); coding-DNA position 344, C replaced by T.
Protein change: p.Pro115Leu; replaces proline 115 with leucine.
Molecular consequence: missense variant.
Genome position (GRCh38, 1-based): chr17:42,536,616, C>T. VCF-style: chr17-42536616-C-T. GRCh37 (hg19) VCF-style: chr17-40688634-C-T.
Other names: short protein forms P115L.
Identifiers: ClinVar variation 1399024 (VCV001399024.8), dbSNP rs1379877908, ClinGen allele CA399596203.
Genomic context (GRCh38, chr17:42,536,616, plus strand): 5'-ACTTCTGTGGCTGCCACGTGGCCTGGTCCGGCTCTCAGCTGCGCCTGCCGCGGCCACTGC[C>T]AGCCGTGCCGGGGGAGCTGACCGAGGCCACGCCCAACAGGTACCGCCCCGAAGCTTCCCC-3'
Protein context (NP_000254.2, residues 105-125): GSQLRLPRPL[Pro115Leu]AVPGELTEAT

ClinVar aggregate classification (germline): Likely pathogenic (1 of 4 stars; one submission).

Conditions:
Charcot-Marie-Tooth disease axonal type 2V. Also called: CHARCOT-MARIE-TOOTH NEUROPATHY, TYPE 2V; CHARCOT-MARIE-TOOTH DISEASE, AXONAL, AUTOSOMAL DOMINANT, TYPE 2V. Identifiers: Orphanet 447964, MedGen C5569050, MONDO:0014665, OMIM 616491.
Mucopolysaccharidosis, MPS-III-B (MPS3B). Also called: MPS IIIB (Sanfilippo Syndrome Type B); N-ACETYL-ALPHA-D-GLUCOSAMINIDASE DEFICIENCY; NAGLU DEFICIENCY; MUCOPOLYSACCHARIDOSIS, TYPE IIIB; Mucopolysaccharidosis type IIIB (Sanfilippo B); SANFILIPPO SYNDROME B. Identifiers: Orphanet 79270, MedGen C0086648, MONDO:0009656, OMIM 252920.

Allele frequency attached by ClinVar (database versions not stated): TOPMed 0.00001.
gnomAD v4.1: 1 of 1,496,052 alleles (0.000067%); highest among the groups gnomAD compares: South Asian, 0.0013%; no homozygotes.

Submission:

Labcorp Genetics (formerly Invitae), Labcorp
Classification: Likely pathogenic for Charcot-Marie-Tooth disease axonal type 2V; Mucopolysaccharidosis, MPS-III-B. Last evaluated: 2025-05-11. Review status: criteria provided, single submitter. Criteria: Invitae Variant Classification Sherloc (09022015). Collection method: clinical testing. Allele origin: germline.
Comment: This sequence change replaces proline, which is neutral and non-polar, with leucine, which is neutral and non-polar, at codon 115 of the NAGLU protein (p.Pro115Leu). The frequency data for this variant in the population databases is considered unreliable, as metrics indicate poor data quality at this position in the gnomAD database. This missense change has been observed in individuals with mucopolysaccharidosis type III (PMID: 27590925; internal data). ClinVar contains an entry for this variant (Variation ID: 1399024). Invitae Evidence Modeling of protein sequence and biophysical properties (such as structural, functional, and spatial information, amino acid conservation, physicochemical variation, residue mobility, and thermodynamic stability) indicates that this missense variant is expected to disrupt NAGLU protein function with a positive predictive value of 95%. This variant disrupts the p.Pro115S amino acid residue in NAGLU. Other variant(s) that disrupt this residue have been determined to be pathogenic (PMID: 9443878, 27590925). This suggests that this residue is clinically significant, and that variants that disrupt this residue are likely to be disease-causing. In summary, the currently available evidence indicates that the variant is pathogenic, but additional data are needed to prove that conclusively. Therefore, this variant has been classified as Likely Pathogenic.

Literature cited by the submitters: PubMed 27590925; PubMed 9443878.